The following is an entry in ClinVar:

NM_004991.4(MECOM):c.482A>G (p.Asn161Ser)

Gene: MECOM (MDS1 and EVI1 complex locus; minus strand). Cytogenetic location: 3q26.2.
Variant type: single nucleotide variant.
Coding change: c.482A>G on transcript NM_004991.4 (MANE Select); coding-DNA position 482, A replaced by G.
Protein change: p.Asn161Ser; replaces asparagine 161 with serine.
Molecular consequence: missense variant. On other transcripts: 5 prime UTR variant (12).
Genome position (GRCh38, 1-based): chr3:169,143,726, T>C on the plus strand (A>G on the coding strand, the complement: MECOM is on the minus strand). VCF-style: chr3-169143726-T-C. GRCh37 (hg19) VCF-style: chr3-168861514-T-C.
Other names: c.110A>G, p.Asn37Ser (NM_001105077.4); c.-83A>G (NM_001105078.4, NM_001163999.2, NM_001164000.2 and 9 more transcripts); c.482A>G, p.Asn161Ser (NM_001366466.2, NM_001366473.2); short protein forms N161S, N37S.
Identifiers: ClinVar variation 4105929 (VCV004105929.1).
Genomic context (GRCh38, chr3:169,143,726, plus strand): 5'-CAAGGAAAGACAAGAAAATCTTTACAACATACCTGATCATTTATCTGGCATGCAACAAGG[T>C]TGTGCTGATCATAACAGCCAGCGAATCTAATGTACTTGAGCCAGCTTCCAACATCTGGTT-3'
Protein context (NP_004982.2, residues 151-171): IRFAGCYDQH[Asn161Ser]LVACQINDQI

ClinVar aggregate classification (germline): Uncertain significance (1 of 4 stars; one submission).

Conditions:
Inborn genetic diseases. Identifiers: MedGen C0950123, MeSH D030342.

Submission:

Ambry Genetics
Classification: Uncertain significance for Inborn genetic diseases. Last evaluated: 2025-09-14. Review status: criteria provided, single submitter. Criteria: Ambry Variant Classification Scheme 2023. Collection method: clinical testing. Allele origin: germline.
Comment: The p.N161S variant (also known as c.482A>G), located in coding exon 3 of the MECOM gene, results from an A to G substitution at nucleotide position 482. The asparagine at codon 161 is replaced by serine, an amino acid with highly similar properties. This amino acid position is conserved. In addition, the in silico prediction for this alteration is inconclusive. Based on the available evidence, the clinical significance of this variant remains unclear.